The following is an entry in ClinVar:

ClinVar aggregate classification (germline): Conflicting classifications of pathogenicity. Review status: criteria provided, conflicting classifications (1 of 4 stars). 2 submissions from 2 submitters: Uncertain significance (1); Likely benign (1). Last evaluated 2025-10-02.

Conditions:
Inborn genetic diseases. Identifiers: MedGen C0950123, MeSH D030342.

gnomAD v4.1: 2 of 1,614,090 alleles (0.00012%); highest among the groups gnomAD compares: Admixed American, 0.0033%; no homozygotes.

Submissions (2):

Ambry Genetics
Classification: Likely benign for Inborn genetic diseases. Last evaluated: 2025-10-02. Review status: criteria provided, single submitter. Criteria: Ambry Variant Classification Scheme 2023. Collection method: clinical testing. Allele origin: germline.

Labcorp Genetics (formerly Invitae), Labcorp
Classification: Uncertain significance. Last evaluated: 2022-05-22. Review status: criteria provided, single submitter. Criteria: Invitae Variant Classification Sherloc (09022015). Collection method: clinical testing. Allele origin: germline.
Comment: Algorithms developed to predict the effect of missense changes on protein structure and function output the following: SIFT: "Tolerated"; PolyPhen-2: "Benign"; Align-GVGD: "Class C0". The leucine amino acid residue is found in multiple mammalian species, which suggests that this missense change does not adversely affect protein function. This variant has not been reported in the literature in individuals affected with KIAA0753-related conditions. This variant is present in population databases (rs376555002, gnomAD 0.003%). This sequence change replaces valine, which is neutral and non-polar, with leucine, which is neutral and non-polar, at codon 486 of the KIAA0753 protein (p.Val486Leu). In summary, the available evidence is currently insufficient to determine the role of this variant in disease. Therefore, it has been classified as a Variant of Uncertain Significance.

NM_014804.3(KIAA0753):c.1456G>T (p.Val486Leu)

Gene: KIAA0753 (KIAA0753; minus strand). Cytogenetic location: 17p13.1.
Variant type: single nucleotide variant.
Coding change: c.1456G>T on transcript NM_014804.3 (MANE Select); coding-DNA position 1456, G replaced by T.
Protein change: p.Val486Leu; replaces valine 486 with leucine.
Molecular consequence: missense variant.
Genome position (GRCh38, 1-based): chr17:6,612,008, C>A on the plus strand (G>T on the coding strand, the complement: KIAA0753 is on the minus strand). VCF-style: chr17-6612008-C-A. GRCh37 (hg19) VCF-style: chr17-6515328-C-A.
Other names: c.559G>T, p.Val187Leu (NM_001351225.2); c.1456G>T (NM_014804.2); short protein forms V187L, V486L.
Identifiers: ClinVar variation 2072612 (VCV002072612.3), dbSNP rs376555002, ClinGen allele CA8330476.
Genomic context (GRCh38, chr17:6,612,008, plus strand): 5'-TCTTCCTAAACGGCACATTCTCAGTCACAGGCTTCTTTTTCCCTGCTTTTGTTTTTGCCA[C>A]GGCTAACACCTCGTCTTTGAAGCTTGCACTTTGGTCTAGAATAAATGGTCCTTCTTCCAG-3'
Protein context (NP_055619.2, residues 476-496): SASFKDEVLA[Val486Leu]AKTKAGKKKP